The following is an entry in ClinVar:

NM_015340.4(LARS2):c.972C>A (p.His324Gln)

Gene: LARS2 (leucyl-tRNA synthetase 2, mitochondrial; plus strand). Cytogenetic location: 3p21.31.
Variant type: single nucleotide variant.
Coding change: c.972C>A on transcript NM_015340.4 (MANE Select); coding-DNA position 972, C replaced by A.
Protein change: p.His324Gln; replaces histidine 324 with glutamine.
Molecular consequence: missense variant.
Genome position (GRCh38, 1-based): chr3:45,476,581, C>A. VCF-style: chr3-45476581-C-A. GRCh37 (hg19) VCF-style: chr3-45518073-C-A.
Other names: c.972C>A, p.His324Gln (NM_001368263.1); short protein forms H324Q.
Identifiers: ClinVar variation 226708 (VCV000226708.32), dbSNP rs71645922, ClinGen allele CA2349464.
Genomic context (GRCh38, chr3:45,476,581, plus strand): 5'-AGCCATTTATGGCACCTCCCACGTGGCCATCTCGCCCAGCCACAGACTCCTACATGGGCA[C>A]AGCTCTCTGAAGGAAGCCTTGAGGATGGCCCTTGTCCCTGGCAAAGGTGAGCTGGCAAGT-3'
Protein context (NP_056155.1, residues 314-334): ISPSHRLLHG[His324Gln]SSLKEALRMA

ClinVar aggregate classification (germline): Benign. Review status: criteria provided, multiple submitters, no conflicts (2 of 4 stars). 8 submissions from 8 submitters: Benign (7). 1 of the submissions does not count toward it. Last evaluated 2026-02-03.

Allele frequency attached by ClinVar (database versions not stated): 1000 Genomes Project 30x 0.00999; 1000 Genomes Project 0.01038; TOPMed 0.02092; gnomAD 0.02186 and 0.02237; ExAC 0.02234; gnomAD exomes 0.02236; ESP Exome Variant Server 0.02545.
gnomAD v4.1: 50,989 of 1,614,124 alleles (3.2%); highest among the groups gnomAD compares: Non-Finnish European, 3.8%; 1,061 homozygotes.

Submissions (8):

Labcorp Genetics (formerly Invitae), Labcorp
Classification: Benign. Last evaluated: 2026-02-03. Review status: criteria provided, single submitter. Criteria: Invitae Variant Classification Sherloc (09022015). Collection method: clinical testing. Allele origin: germline.

ARUP Laboratories, Molecular Genetics and Genomics, ARUP Laboratories
Classification: Benign. Last evaluated: 2023-11-09. Review status: criteria provided, single submitter. Criteria: ARUP Molecular Germline Variant Investigation Process 2024. Collection method: clinical testing. Allele origin: germline.

Athena Diagnostics
Classification: Benign. Last evaluated: 2019-02-13. Review status: criteria provided, single submitter. Criteria: Athena Diagnostics Criteria. Collection method: clinical testing. Allele origin: germline.

Eurofins Ntd Llc (ga)
Classification: Benign. Last evaluated: 2018-05-14. Review status: criteria provided, single submitter. Criteria: EGL ClinVar v180209 classification definitions. Collection method: clinical testing. Allele origin: germline. Observed: 1 variant allele, 1 heterozygote.

GeneDx
Classification: Benign. Last evaluated: 2016-03-02. Review status: criteria provided, single submitter. Criteria: GeneDx Variant Classification (06012015). Collection method: clinical testing. Allele origin: germline. Affected: yes.
Comment: This variant is considered likely benign or benign based on one or more of the following criteria: it is a conservative change, it occurs at a poorly conserved position in the protein, it is predicted to be benign by multiple in silico algorithms, and/or has population frequency not consistent with disease.

Laboratory for Molecular Medicine, Mass General Brigham Personalized Medicine
Classification: Benign. Last evaluated: 2015-01-13. Review status: criteria provided, single submitter. Criteria: LMM Criteria. Collection method: clinical testing. Allele origin: germline. Observed: 43 variant alleles.
Comment: p.His324Gln in exon 10 of LARS2: This variant is not expected to have clinical s ignificance because it has been identified in 3.5% (300/8600) of European Americ an chromosomes from a broad population by the NHLBI Exome Sequencing Project (dbSNP rs71645922).

Breakthrough Genomics
Classification: Benign. Review status: criteria provided, single submitter. Criteria: ACMG Guidelines, 2015. Collection method: not provided. Allele origin: germline. Inheritance: Autosomal recessive inheritance. Affected: yes.

Mayo Clinic Laboratories, Mayo Clinic
Classification: Likely benign. Last evaluated: 2016-02-22. Review status: no assertion criteria provided. Collection method: clinical testing. Allele origin: unknown. Not counted in ClinVar's aggregate classification.

Literature cited by the submitters: PubMed 19847392 (cited by Athena Diagnostics); PubMed 15919814 (cited by Athena Diagnostics).